The following is an entry in ClinVar:

NM_001048174.2(MUTYH):c.229G>T (p.Asp77Tyr)

Gene: MUTYH (mutY DNA glycosylase; minus strand). Cytogenetic location: 1p34.1.
Variant type: single nucleotide variant.
Coding change: c.229G>T on transcript NM_001048174.2 (MANE Select); coding-DNA position 229, G replaced by T.
Protein change: p.Asp77Tyr; replaces aspartic acid 77 with tyrosine.
Molecular consequence: missense variant. On other transcripts: 5 prime UTR variant (4), non-coding transcript variant (2).
Genome position (GRCh38, 1-based): chr1:45,333,448, C>A on the plus strand (G>T on the coding strand, the complement: MUTYH is on the minus strand). VCF-style: chr1-45333448-C-A. GRCh37 (hg19) VCF-style: chr1-45799120-C-A.
Other names: c.229G>T, p.Asp77Tyr (NM_001048171.2, NM_001048173.2, NM_001293195.2); c.232G>T, p.Asp78Tyr (NM_001048172.2); c.313G>T, p.Asp105Tyr (NM_001128425.2); c.274G>T, p.Asp92Tyr (NM_001293190.2); c.262G>T, p.Asp88Tyr (NM_001293191.2); c.-48G>T (NM_001293192.2, NM_001293196.2); c.-43G>T (NM_001350650.2, NM_001350651.2); c.304G>T, p.Asp102Tyr (NM_012222.3); short protein forms D105Y, D88Y, D92Y, D77Y, D78Y, D102Y.
Identifiers: ClinVar variation 485905 (VCV000485905.16), dbSNP rs587780746, ClinGen allele CA340136401.

ClinVar aggregate classification (germline): Uncertain significance. Review status: criteria provided, multiple submitters, no conflicts (2 of 4 stars). 3 submissions from 3 submitters: Uncertain significance (3). Last evaluated 2023-11-27.

Conditions:
Hereditary cancer-predisposing syndrome. Also called: Hereditary neoplastic syndrome; Hereditary Cancer Syndrome; Neoplastic Syndromes, Hereditary; Tumor predisposition. Identifiers: Orphanet 140162, MedGen C0027672, MeSH D009386, MONDO:0015356.
Familial adenomatous polyposis 2. Also called: MYH-associated polyposis; COLORECTAL ADENOMATOUS POLYPOSIS, AUTOSOMAL RECESSIVE; ADENOMAS, MULTIPLE COLORECTAL, AUTOSOMAL RECESSIVE; MUTYH-related attenuated familial adenomatous polyposis; Adenomas, multiple colorectal; FAP type 2. Identifiers: Orphanet 220460, Orphanet 247798, MedGen C3272841, MONDO:0012041, OMIM 608456.

Submissions (3):

Labcorp Genetics (formerly Invitae), Labcorp
Classification: Uncertain significance for Familial adenomatous polyposis 2. Last evaluated: 2023-11-27. Review status: criteria provided, single submitter. Criteria: Invitae Variant Classification Sherloc (09022015). Collection method: clinical testing. Allele origin: germline.
Comment: This sequence change replaces aspartic acid, which is acidic and polar, with tyrosine, which is neutral and polar, at codon 105 of the MUTYH protein (p.Asp105Tyr). This variant is not present in population databases (gnomAD no frequency). This variant has not been reported in the literature in individuals affected with MUTYH-related conditions. ClinVar contains an entry for this variant (Variation ID: 485905). An algorithm developed to predict the effect of missense changes on protein structure and function (PolyPhen-2) suggests that this variant is likely to be disruptive. In summary, the available evidence is currently insufficient to determine the role of this variant in disease. Therefore, it has been classified as a Variant of Uncertain Significance.

Ambry Genetics
Classification: Uncertain significance for Hereditary cancer-predisposing syndrome. Last evaluated: 2023-05-15. Review status: criteria provided, single submitter. Criteria: Ambry Variant Classification Scheme 2023. Collection method: clinical testing. Allele origin: germline.
Comment: The p.D105Y variant (also known as c.313G>T), located in coding exon 3 of the MUTYH gene, results from a G to T substitution at nucleotide position 313. The aspartic acid at codon 105 is replaced by tyrosine, an amino acid with highly dissimilar properties. This amino acid position is highly conserved in available vertebrate species. In addition, this alteration is predicted to be deleterious by in silico analysis. Since supporting evidence is limited at this time, the clinical significance of this alteration remains unclear.

Baylor Genetics
Classification: Uncertain significance for Familial adenomatous polyposis 2. Last evaluated: 2022-03-24. Review status: criteria provided, single submitter. Criteria: ACMG Guidelines, 2015. Collection method: clinical testing. Allele origin: unknown.